The following is an entry in ClinVar:

ClinVar aggregate classification (germline): Pathogenic (1 of 4 stars; one submission).

Submission:

Labcorp Genetics (formerly Invitae), Labcorp
Classification: Pathogenic. Last evaluated: 2022-01-27. Review status: criteria provided, single submitter. Criteria: Invitae Variant Classification Sherloc (09022015). Collection method: clinical testing. Allele origin: germline.
Comment: This variant has not been reported in the literature in individuals affected with OTOG-related conditions. For these reasons, this variant has been classified as Pathogenic. Algorithms developed to predict the effect of sequence changes on RNA splicing suggest that this variant may create or strengthen a splice site. This variant is not present in population databases (gnomAD no frequency). This sequence change creates a premature translational stop signal (p.Gln1335*) in the OTOG gene. It is expected to result in an absent or disrupted protein product. Loss-of-function variants in OTOG are known to be pathogenic (PMID: 23122587).

Literature cited by the submitters: PubMed 23122587.

NM_001292063.2(OTOG):c.3967C>T (p.Gln1323Ter)

Gene: OTOG (otogelin; plus strand). Cytogenetic location: 11p15.1.
Variant type: single nucleotide variant.
Coding change: c.3967C>T on transcript NM_001292063.2 (MANE Select); coding-DNA position 3967, C replaced by T.
Protein change: p.Gln1323Ter; replaces glutamine 1323 with a stop codon.
Molecular consequence: nonsense.
Genome position (GRCh38, 1-based): chr11:17,605,946, C>T. VCF-style: chr11-17605946-C-T. GRCh37 (hg19) VCF-style: chr11-17627493-C-T.
Other names: c.4003C>T, p.Gln1335Ter (NM_001277269.2); short protein forms Q1335*, Q1323*.
Identifiers: ClinVar variation 1956821 (VCV001956821.5), dbSNP rs2497516107, ClinGen allele CA379791842.